The following is an entry in ClinVar:

ClinVar aggregate classification (germline): Likely benign. Review status: criteria provided, multiple submitters, no conflicts (2 of 4 stars). 3 submissions from 3 submitters: Likely benign (3). Last evaluated 2026-01-18.

Conditions:
Adams-Oliver syndrome 5 (AOS5). Identifiers: Orphanet 974, MedGen C4014970, MONDO:0014459, OMIM 616028.
Familial thoracic aortic aneurysm and aortic dissection (TAAD). Also called: Thoracic aortic aneurysms and dissections. Identifiers: Orphanet 91387, MedGen C4707243, MONDO:0019625.

Allele frequency attached by ClinVar (database versions not stated): ExAC 0.00001; gnomAD 0.00001; gnomAD exomes 0.00001; TOPMed 0.00001.
gnomAD v4.1: 13 of 1,612,716 alleles (0.00081%); highest among the groups gnomAD compares: Admixed American, 0.0017%; no homozygotes.

Submissions (3):

Labcorp Genetics (formerly Invitae), Labcorp
Classification: Likely benign for Adams-Oliver syndrome 5. Last evaluated: 2026-01-18. Review status: criteria provided, single submitter. Criteria: Invitae Variant Classification Sherloc (09022015). Collection method: clinical testing. Allele origin: germline.

CeGaT Center for Human Genetics Tuebingen
Classification: Likely benign. Last evaluated: 2022-11-01. Review status: criteria provided, single submitter. Criteria: CeGaT Center For Human Genetics Tuebingen Variant Classification Criteria Version 2. Collection method: clinical testing. Allele origin: germline. Affected: yes. Observed: 2 variant alleles.
Comment: NOTCH1: BP4, BP7

Ambry Genetics
Classification: Likely benign for Familial thoracic aortic aneurysm and aortic dissection. Last evaluated: 2021-10-25. Review status: criteria provided, single submitter. Criteria: Ambry Variant Classification Scheme 2023. Collection method: clinical testing. Allele origin: germline.

NM_017617.5(NOTCH1):c.1062G>C (p.Val354=)

Gene: NOTCH1 (notch receptor 1; minus strand). Cytogenetic location: 9q34.3.
Variant type: single nucleotide variant.
Coding change: c.1062G>C on transcript NM_017617.5 (MANE Select); coding-DNA position 1062, G replaced by C.
Protein change: p.Val354=; no amino-acid change (valine 354 retained).
Molecular consequence: synonymous variant.
Genome position (GRCh38, 1-based): chr9:136,518,628, C>G on the plus strand (G>C on the coding strand, the complement: NOTCH1 is on the minus strand). VCF-style: chr9-136518628-C-G. GRCh37 (hg19) VCF-style: chr9-139413080-C-G.
Identifiers: ClinVar variation 1780778 (VCV001780778.29), dbSNP rs767138404, ClinGen allele CA5341939.
Genomic context (GRCh38, chr9:136,518,628, plus strand): 5'-CACCTGGGCCTCAAGGCACTCACCTGTGCGGCCATGGGGACACTCGCAGTAGAAGGAGGC[C>G]ACACGGTCATGGCAGGTGGCGCCGTGGAAGCAGGCGGCGCTGGCACAGTCATCAATGTTC-3'
Protein context (NP_060087.3, residues 344-364): CFHGATCHDR[Val354=]ASFYCECPHG